The following is an entry in ClinVar:

NM_001085411.3(NADK2):c.13C>G (p.Arg5Gly)

Genes: NADK2 (NAD kinase 2, mitochondrial; minus strand), LOC129993801 (ATAC-STARR-seq lymphoblastoid silent region 15972; plus strand). Cytogenetic location: 5p13.2.
Variant type: single nucleotide variant.
Coding change: c.13C>G on transcript NM_001085411.3 (MANE Select); coding-DNA position 13, C replaced by G.
Protein change: p.Arg5Gly; replaces arginine 5 with glycine.
Molecular consequence: missense variant. On other transcripts: intron variant (2).
Genome position (GRCh38, 1-based): chr5:36,241,786, G>C on the plus strand (C>G on the coding strand, the complement: NADK2 is on the minus strand). VCF-style: chr5-36241786-G-C. GRCh37 (hg19) VCF-style: chr5-36241888-G-C.
Other names: c.-190+310C>G (NM_153013.5, NM_001287341.2); short protein forms R5G.
Identifiers: ClinVar variation 1425486 (VCV001425486.6), dbSNP rs2112225902, ClinGen allele CA359448236.

ClinVar aggregate classification (germline): Uncertain significance (1 of 4 stars; one submission).

Conditions:
Progressive encephalopathy with leukodystrophy due to DECR deficiency. Identifiers: Orphanet 431361, MedGen C1857252, MONDO:0014464, OMIM 616034.

Allele frequency attached by ClinVar (database versions not stated): gnomAD exomes below 0.00001.
gnomAD v4.1: 1 of 1,339,290 alleles (0.000075%); highest among the groups gnomAD compares: East Asian, 0.0034%; no homozygotes.

Submission:

Labcorp Genetics (formerly Invitae), Labcorp
Classification: Uncertain significance for Progressive encephalopathy with leukodystrophy due to DECR deficiency. Last evaluated: 2021-11-11. Review status: criteria provided, single submitter. Criteria: Invitae Variant Classification Sherloc (09022015). Collection method: clinical testing. Allele origin: germline.
Comment: This sequence change replaces arginine, which is basic and polar, with glycine, which is neutral and non-polar, at codon 5 of the NADK2 protein (p.Arg5Gly). This variant is not present in population databases (gnomAD no frequency). This variant has not been reported in the literature in individuals affected with NADK2-related conditions. Algorithms developed to predict the effect of missense changes on protein structure and function are either unavailable or do not agree on the potential impact of this missense change (SIFT: "Deleterious"; PolyPhen-2: "Benign"; Align-GVGD: "Class C0"). In summary, the available evidence is currently insufficient to determine the role of this variant in disease. Therefore, it has been classified as a Variant of Uncertain Significance.